The following is an entry in ClinVar:

ClinVar aggregate classification (germline): Uncertain significance (1 of 4 stars; one submission).

Conditions:
Charcot-Marie-Tooth disease axonal type 2U. Also called: CHARCOT-MARIE-TOOTH NEUROPATHY, TYPE 2U; CHARCOT-MARIE-TOOTH DISEASE, AXONAL, AUTOSOMAL DOMINANT, TYPE 2U. Identifiers: Orphanet 397735, MedGen C4084821, MONDO:0014566, OMIM 616280.
Severe early-onset pulmonary alveolar proteinosis due to MARS deficiency. Also called: PULMONARY ALVEOLAR PROTEINOSIS, REUNION ISLAND; Interstitial lung and liver disease. Identifiers: Orphanet 440427, MedGen C4225400, MONDO:0014206, OMIM 615486.

Submission:

Labcorp Genetics (formerly Invitae), Labcorp
Classification: Uncertain significance for Charcot-Marie-Tooth disease axonal type 2U; Severe early-onset pulmonary alveolar proteinosis due to MARS deficiency. Last evaluated: 2018-10-05. Review status: criteria provided, single submitter. Criteria: Invitae Variant Classification Sherloc (09022015). Collection method: clinical testing. Allele origin: germline.
Comment: This sequence change replaces alanine with valine at codon 893 of the MARS protein (p.Ala893Val). The alanine residue is weakly conserved and there is a small physicochemical difference between alanine and valine. This variant is not present in population databases (ExAC no frequency). This variant has not been reported in the literature in individuals with MARS-related disease. In summary, the available evidence is currently insufficient to determine the role of this variant in disease. Therefore, it has been classified as a Variant of Uncertain Significance.

NM_004990.4(MARS1):c.2678C>T (p.Ala893Val)

Gene: MARS1 (methionyl-tRNA synthetase 1; plus strand). Cytogenetic location: 12q13.3.
Variant type: single nucleotide variant.
Coding change: c.2678C>T on transcript NM_004990.4 (MANE Select); coding-DNA position 2678, C replaced by T.
Protein change: p.Ala893Val; replaces alanine 893 with valine.
Molecular consequence: missense variant.
Genome position (GRCh38, 1-based): chr12:57,516,556, C>T. VCF-style: chr12-57516556-C-T. GRCh37 (hg19) VCF-style: chr12-57910339-C-T.
Other names: short protein forms A893V.
Identifiers: ClinVar variation 648138 (VCV000648138.8), dbSNP rs1027516483, ClinGen allele CA237774435.